The following is an entry in ClinVar:

ClinVar aggregate classification (germline): Uncertain significance (1 of 4 stars; one submission).

Conditions:
Amyotrophic lateral sclerosis type 1 (ALS1). Also called: AMYOTROPHIC LATERAL SCLEROSIS 1, FAMILIAL. Identifiers: Orphanet 803, MedGen C1862939, MONDO:0007103, OMIM 105400.

Submission:

Labcorp Genetics (formerly Invitae), Labcorp
Classification: Uncertain significance for Amyotrophic lateral sclerosis type 1. Last evaluated: 2018-08-25. Review status: criteria provided, single submitter. Criteria: Invitae Variant Classification Sherloc (09022015). Collection method: clinical testing. Allele origin: germline.
Comment: In summary, the available evidence is currently insufficient to determine the role of this variant in disease. Therefore, it has been classified as a Variant of Uncertain Significance. Algorithms developed to predict the effect of missense changes on protein structure and function (SIFT, PolyPhen-2, Align-GVGD) all suggest that this variant is likely to be disruptive, but these predictions have not been confirmed by published functional studies and their clinical significance is uncertain. This variant has been observed in an individual affected with familial amyotrophic lateral sclerosis (PMID: 20472325). This variant is also known as p.Gly138Glu in the literature. This variant is not present in population databases (ExAC no frequency). This sequence change replaces glycine with glutamic acid at codon 139 of the SOD1 protein (p.Gly139Glu). The glycine residue is highly conserved and there is a moderate physicochemical difference between glycine and glutamic acid.

Literature cited by the submitters: PubMed 20472325.

NM_000454.5(SOD1):c.416G>A (p.Gly139Glu)

Gene: SOD1 (superoxide dismutase 1; plus strand). Cytogenetic location: 21q22.11.
Variant type: single nucleotide variant.
Coding change: c.416G>A on transcript NM_000454.5 (MANE Select); coding-DNA position 416, G replaced by A.
Protein change: p.Gly139Glu; replaces glycine 139 with glutamic acid.
Molecular consequence: missense variant.
Genome position (GRCh38, 1-based): chr21:31,668,529, G>A. VCF-style: chr21-31668529-G-A. GRCh37 (hg19) VCF-style: chr21-33040842-G-A.
Other names: short protein forms G139E.
Identifiers: ClinVar variation 649792 (VCV000649792.8), dbSNP rs1568811464, ClinGen allele CA410037757.